The following is an entry in ClinVar:

NM_001772.4(CD33):c.649G>A (p.Ala217Thr)

Gene: CD33 (CD33 molecule; plus strand). Cytogenetic location: 19q13.41.
Variant type: single nucleotide variant.
Coding change: c.649G>A on transcript NM_001772.4 (MANE Select); coding-DNA position 649, G replaced by A.
Protein change: p.Ala217Thr; replaces alanine 217 with threonine.
Molecular consequence: missense variant.
Genome position (GRCh38, 1-based): chr19:51,226,033, G>A. VCF-style: chr19-51226033-G-A. GRCh37 (hg19) VCF-style: chr19-51729289-G-A.
Other names: c.268G>A, p.Ala90Thr (NM_001082618.2); c.649G>A, p.Ala217Thr (NM_001177608.2); short protein forms A217T, A90T.
Identifiers: ClinVar variation 4988279 (VCV004988279.1).

ClinVar aggregate classification (germline): Uncertain significance (1 of 4 stars; one submission).

Conditions:
CD33-related disorder. Also called: CD33-related condition.

Submission:

PreventionGenetics, part of Exact Sciences
Classification: Uncertain significance for CD33-related condition. Last evaluated: 2024-11-19. Review status: criteria provided, single submitter. Criteria: ACMG Guidelines, 2015. Collection method: clinical testing. Allele origin: germline.
Comment: The CD33 c.649G>A variant is predicted to result in the amino acid substitution p.Ala217Thr. To our knowledge, this variant has not been reported in the literature. This variant is reported in 0.052% of alleles in individuals of African descent in gnomAD. At this time, the clinical significance of this variant is uncertain due to the absence of conclusive functional and genetic evidence.